The following is an entry in ClinVar:

NM_032043.3(BRIP1):c.3287AAG[3] (p.Glu1097dup)

Gene: BRIP1 (BRCA1 interacting DNA helicase 1; minus strand). Cytogenetic location: 17q23.2.
Variant type: Microsatellite.
Coding change: c.3287AAG[3] on transcript NM_032043.3 (MANE Select); three copies in a row of the 3-base unit AAG starting at c.3287; the reference has two copies in a row; one copy, 3 bases duplicated.
Protein change: p.Glu1097dup; duplicates glutamic acid 1097.
Molecular consequence: inframe insertion.
Genome position (GRCh38, 1-based): chr17:61,683,754-61,683,756, CTT duplicated on the plus strand (AAG on the coding strand, the reverse complement: BRIP1 is on the minus strand); duplicating any 3 consecutive bases within chr17:61,683,754-61,683,760 gives the same sequence; the position shown is the placement nearest the transcript's 3' end. VCF-style (leftmost placement, unchanged base first): chr17-61683753-G-GCTT. GRCh37 (hg19) VCF-style: chr17-59761114-G-GCTT.
Identifiers: ClinVar variation 823454 (VCV000823454.12), dbSNP rs1603275271, ClinGen allele CA915950686.
Genomic context (GRCh38, chr17:61,683,753, plus strand): 5'-TTTGAAGTGGACTGTTTATCTTCTTCACTTACTAGAGACAATTCAATGTCTGGATCCAGG[G>GCTT]CTTCTTCAGAACAGAGCGGATGTTCAGAATGATTTTTTCTAGTAAGGGTGGCATCAATCT-3'

ClinVar aggregate classification (germline): Uncertain significance. Review status: criteria provided, multiple submitters, no conflicts (2 of 4 stars). 2 submissions from 2 submitters: Uncertain significance (2). Last evaluated 2025-01-24.

Conditions:
Familial cancer of breast. Also called: Hereditary breast cancer; hereditary breast carcinoma; BREAST CANCER, FAMILIAL. Identifiers: Orphanet 227535, MedGen C0346153, MONDO:0016419, OMIM 114480. Disease mechanism: loss of function.
Fanconi anemia complementation group J. Also called: BRIP1-Related Fanconi Anemia. Identifiers: Orphanet 84, MedGen C1836860, MONDO:0012187, OMIM 609054.
Hereditary cancer-predisposing syndrome. Also called: Hereditary Cancer Syndrome; Neoplastic Syndromes, Hereditary; Hereditary neoplastic syndrome; Tumor predisposition. Identifiers: Orphanet 140162, MedGen C0027672, MeSH D009386, MONDO:0015356.

Submissions (2):

Ambry Genetics
Classification: Uncertain significance for Hereditary cancer-predisposing syndrome. Last evaluated: 2025-01-24. Review status: criteria provided, single submitter. Criteria: Ambry Variant Classification Scheme 2023. Collection method: clinical testing. Allele origin: germline.
Comment: The c.3290_3292dupAAG variant (also known as p.E1097dup), located in coding exon 19 of the BRIP1 gene, results from an in-frame duplication of AAG at nucleotide positions 3290 to 3292. This results in the duplication of a glutamic acid at codon 1097. This amino acid position is not well conserved in available vertebrate species. In addition, this alteration is predicted to be neutral by in silico analysis (Choi Y et al. PLoS ONE. 2012; 7(10):e46688). Based on the available evidence, the clinical significance of this variant remains unclear.

Labcorp Genetics (formerly Invitae), Labcorp
Classification: Uncertain significance for Familial cancer of breast; Fanconi anemia complementation group J. Last evaluated: 2021-09-29. Review status: criteria provided, single submitter. Criteria: Invitae Variant Classification Sherloc (09022015). Collection method: clinical testing. Allele origin: germline.
Comment: ClinVar contains an entry for this variant (Variation ID: 823454). In summary, the available evidence is currently insufficient to determine the role of this variant in disease. Therefore, it has been classified as a Variant of Uncertain Significance. Experimental studies and prediction algorithms are not available or were not evaluated, and the functional significance of this variant is currently unknown. This variant has not been reported in the literature in individuals affected with BRIP1-related conditions. This variant is not present in population databases (ExAC no frequency). This variant, c.3290_3292dup, results in the insertion of 1 amino acid(s) to the BRIP1 protein (p.Glu1097dup), but otherwise preserves the integrity of the reading frame.